The following is an entry in ClinVar:

ClinVar aggregate classification (germline): Pathogenic (1 of 4 stars; one submission).

Conditions:
Cardiovascular phenotype. Identifiers: MedGen CN230736.

Submission:

Ambry Genetics
Classification: Pathogenic for Cardiovascular phenotype. Last evaluated: 2025-02-21. Review status: criteria provided, single submitter. Criteria: Ambry Variant Classification Scheme 2023. Collection method: clinical testing. Allele origin: germline.
Comment: The c.6666delT pathogenic mutation, located in coding exon 40 of the FLNC gene, results from a deletion of one nucleotide at nucleotide position 6666, causing a translational frameshift with a predicted alternate stop codon (p.F2222Lfs*29). This variant is considered to be rare based on population cohorts in the Genome Aggregation Database (gnomAD). This alteration is expected to result in loss of function by premature protein truncation or nonsense-mediated mRNA decay. As such, this alteration is interpreted as a disease-causing mutation.

NM_001458.5(FLNC):c.6666del (p.Phe2222fs)

Genes: FLNC (filamin C; plus strand), FLNC-AS1 (FLNC antisense RNA 1; minus strand). Cytogenetic location: 7q32.1.
Variant type: Deletion.
Coding change: c.6666del on transcript NM_001458.5 (MANE Select); coding-DNA position 6666, one base deleted (T; older notation c.6666delT).
Protein change: p.Phe2222fs; shifts the reading frame from phenylalanine 2222.
Molecular consequence: frameshift variant.
Genome position (GRCh38, 1-based): chr7:128,854,155, T deleted; the last of 3 consecutive T bases (chr7:128,854,153-128,854,155); deleting any one gives the same sequence. VCF-style (leftmost placement, unchanged base first): chr7-128854152-GT-G. GRCh37 (hg19) VCF-style: chr7-128494206-GT-G.
Other names: c.6567del, p.Phe2189fs (NM_001127487.2); short protein forms F2222fs, F2189fs.
Identifiers: ClinVar variation 3850787 (VCV003850787.1).